The following is an entry in ClinVar:

ClinVar aggregate classification (germline): Uncertain significance (1 of 4 stars; one submission).

Conditions:
Arrhythmogenic right ventricular cardiomyopathy (ARVD). Also called: Arrhythmogenic right ventricular dysplasia; Cardiomyopathy, ARVC; Arrhythmogenic cardiomyopathy; Arrhythmogenic Right Ventricular Cardiomyopathy (ARVC). Identifiers: Orphanet 247, MedGen C0349788, MeSH D019571, MONDO:0016587. Disease mechanism: loss of function. Inheritance: Various modes of inheritance.

Submission:

All of Us Research Program, National Institutes of Health
Classification: Uncertain significance for Arrhythmogenic right ventricular cardiomyopathy. Last evaluated: 2023-08-15. Review status: criteria provided, single submitter. Criteria: ACMG Guidelines, 2015. Collection method: clinical testing. Allele origin: germline. Inheritance: Autosomal dominant inheritance. Observed: 1 variant allele, 1 heterozygote.
Comment: This study involves interpretation of variants in research participants for the purpose of population health screening. Participant phenotype was not available at the time of variant classification. Additional details can be found in publication PMID: 35346344, PMCID: PMC8962531

NM_001005242.3(PKP2):c.447G>C (p.Glu149Asp)

Gene: PKP2 (plakophilin 2; minus strand). Cytogenetic location: 12p11.21.
Variant type: single nucleotide variant.
Coding change: c.447G>C on transcript NM_001005242.3 (MANE Select); coding-DNA position 447, G replaced by C.
Protein change: p.Glu149Asp; replaces glutamic acid 149 with aspartic acid.
Molecular consequence: missense variant.
Genome position (GRCh38, 1-based): chr12:32,878,433, C>G on the plus strand (G>C on the coding strand, the complement: PKP2 is on the minus strand). VCF-style: chr12-32878433-C-G. GRCh37 (hg19) VCF-style: chr12-33031367-C-G.
Other names: c.447G>C, p.Glu149Asp (NM_001407155.1, NM_001407156.1, NM_001407157.1 and 2 more transcripts); c.120G>C, p.Glu40Asp (NM_001407158.1, NM_001407159.1, NM_001407160.1 and 1 more transcripts); short protein forms E149D, E40D.
Identifiers: ClinVar variation 3072571 (VCV003072571.1), dbSNP rs778151977, ClinGen allele CA384365227.